The following is an entry in ClinVar:

ClinVar aggregate classification (germline): Uncertain significance (1 of 4 stars; one submission).

Submission:

Labcorp Genetics (formerly Invitae), Labcorp
Classification: Uncertain significance. Last evaluated: 2024-07-31. Review status: criteria provided, single submitter. Criteria: Invitae Variant Classification Sherloc (09022015). Collection method: clinical testing. Allele origin: germline.
Comment: This sequence change replaces methionine, which is neutral and non-polar, with threonine, which is neutral and polar, at codon 124 of the ATP5D protein (p.Met124Thr). This variant is present in population databases (rs776885553, gnomAD 0.002%). This variant has not been reported in the literature in individuals affected with ATP5D-related conditions. An algorithm developed to predict the effect of missense changes on protein structure and function (PolyPhen-2) suggests that this variant is likely to be tolerated. In summary, the available evidence is currently insufficient to determine the role of this variant in disease. Therefore, it has been classified as a Variant of Uncertain Significance.

NM_001687.5(ATP5F1D):c.371T>C (p.Met124Thr)

Gene: ATP5F1D (ATP synthase F1 subunit delta; plus strand). Cytogenetic location: 19p13.3.
Variant type: single nucleotide variant.
Coding change: c.371T>C on transcript NM_001687.5 (MANE Select); coding-DNA position 371, T replaced by C.
Protein change: p.Met124Thr; replaces methionine 124 with threonine.
Molecular consequence: missense variant.
Genome position (GRCh38, 1-based): chr19:1,244,172, T>C. VCF-style: chr19-1244172-T-C. GRCh37 (hg19) VCF-style: chr19-1244171-T-C.
Other names: c.371T>C, p.Met124Thr (NM_001001975.2); short protein forms M124T.
Identifiers: ClinVar variation 3618496 (VCV003618496.2).